The following is an entry in ClinVar:

ClinVar aggregate classification (germline): Likely benign. Review status: criteria provided, multiple submitters, no conflicts (2 of 4 stars). 2 submissions from 2 submitters: Likely benign (2). Last evaluated 2026-03-01.

Conditions:
Severe combined immunodeficiency due to DNA-PKcs deficiency. Also called: IMMUNODEFICIENCY 26 WITH NEUROLOGIC ABNORMALITIES; Immunodeficiency 26 with or without neurologic abnormalities. Identifiers: Orphanet 317425, MedGen C4014833, MONDO:0014423, OMIM 615966.

Allele frequency attached by ClinVar (database versions not stated): ExAC 0.00005; gnomAD 0.00003; gnomAD exomes 0.00003; TOPMed 0.00003.
gnomAD v4.1: 44 of 1,543,768 alleles (0.0029%); highest among the groups gnomAD compares: East Asian, 0.03%; no homozygotes.

Submissions (2):

CeGaT Center for Human Genetics Tuebingen
Classification: Likely benign. Last evaluated: 2026-03-01. Review status: criteria provided, single submitter. Criteria: CeGaT Center For Human Genetics Tuebingen Variant Classification Criteria Version 2. Collection method: clinical testing. Allele origin: germline. Affected: yes. Observed: 1 variant allele.
Comment: PRKDC: BP4, BP7

Labcorp Genetics (formerly Invitae), Labcorp
Classification: Likely benign for Severe combined immunodeficiency due to DNA-PKcs deficiency. Last evaluated: 2025-12-03. Review status: criteria provided, single submitter. Criteria: Invitae Variant Classification Sherloc (09022015). Collection method: clinical testing. Allele origin: germline.

NM_006904.7(PRKDC):c.10122C>T (p.Ile3374=)

Gene: PRKDC (protein kinase, DNA-activated, catalytic subunit; minus strand). Cytogenetic location: 8q11.21.
Variant type: single nucleotide variant.
Coding change: c.10122C>T on transcript NM_006904.7 (MANE Select); coding-DNA position 10122, C replaced by T.
Protein change: p.Ile3374=; no amino-acid change (isoleucine 3374 retained).
Molecular consequence: synonymous variant.
Genome position (GRCh38, 1-based): chr8:47,799,385, G>A on the plus strand (C>T on the coding strand, the complement: PRKDC is on the minus strand). VCF-style: chr8-47799385-G-A. GRCh37 (hg19) VCF-style: chr8-48711946-G-A.
Other names: c.10122C>T, p.Ile3374= (NM_001081640.2).
Identifiers: ClinVar variation 2201927 (VCV002201927.8), dbSNP rs8178224, ClinGen allele CA4739388.